The following is an entry in ClinVar:

NM_004385.5(VCAN):c.5374G>A (p.Val1792Ile)

Genes: VCAN (versican; plus strand), VCAN-AS1 (VCAN antisense RNA 1; minus strand). Cytogenetic location: 5q14.3.
Variant type: single nucleotide variant.
Coding change: c.5374G>A on transcript NM_004385.5 (MANE Select); coding-DNA position 5374, G replaced by A.
Protein change: p.Val1792Ile; replaces valine 1792 with isoleucine.
Molecular consequence: missense variant. On other transcripts: intron variant (2).
Genome position (GRCh38, 1-based): chr5:83,538,377, G>A. VCF-style: chr5-83538377-G-A. GRCh37 (hg19) VCF-style: chr5-82834196-G-A.
Other names: c.2413G>A, p.Val805Ile (NM_001164097.2); c.4004-7160G>A (NM_001164098.2); c.1043-7160G>A (NM_001126336.3); short protein forms V1792I, V805I.
Identifiers: ClinVar variation 1904112 (VCV001904112.6), dbSNP rs759773895, ClinGen allele CA3333318.

ClinVar aggregate classification (germline): Uncertain significance. Review status: criteria provided, multiple submitters, no conflicts (2 of 4 stars). 2 submissions from 2 submitters: Uncertain significance (2). Last evaluated 2022-07-30.

Conditions:
Inborn genetic diseases. Identifiers: MedGen C0950123, MeSH D030342.

Allele frequency attached by ClinVar (database versions not stated): gnomAD exomes below 0.00001; ExAC 0.00001; gnomAD 0.00001; TOPMed 0.00002.
gnomAD v4.1: 5 of 1,613,886 alleles (0.00031%); highest among the groups gnomAD compares: Non-Finnish European, 0.00042%; no homozygotes.

Submissions (2):

Labcorp Genetics (formerly Invitae), Labcorp
Classification: Uncertain significance. Last evaluated: 2022-07-30. Review status: criteria provided, single submitter. Criteria: Invitae Variant Classification Sherloc (09022015). Collection method: clinical testing. Allele origin: germline.
Comment: This sequence change replaces valine, which is neutral and non-polar, with isoleucine, which is neutral and non-polar, at codon 1792 of the VCAN protein (p.Val1792Ile). This variant is present in population databases (rs759773895, gnomAD 0.0009%). This variant has not been reported in the literature in individuals affected with VCAN-related conditions. Algorithms developed to predict the effect of missense changes on protein structure and function output the following: SIFT: "Deleterious"; PolyPhen-2: "Benign"; Align-GVGD: "Class C25". The isoleucine amino acid residue is found in multiple mammalian species, which suggests that this missense change does not adversely affect protein function. In summary, the available evidence is currently insufficient to determine the role of this variant in disease. Therefore, it has been classified as a Variant of Uncertain Significance.

Ambry Genetics
Classification: Uncertain significance for Inborn genetic diseases. Last evaluated: 2022-03-23. Review status: criteria provided, single submitter. Criteria: Ambry Variant Classification Scheme 2023. Collection method: clinical testing. Allele origin: germline.